The following is an entry in ClinVar:

NM_001127222.2(CACNA1A):c.270C>T (p.Tyr90=)

Gene: CACNA1A (calcium voltage-gated channel subunit alpha1 A; minus strand). Cytogenetic location: 19p13.13.
Variant type: single nucleotide variant.
Coding change: c.270C>T on transcript NM_001127222.2 (MANE Select); coding-DNA position 270, C replaced by T.
Protein change: p.Tyr90=; no amino-acid change (tyrosine 90 retained).
Molecular consequence: synonymous variant.
Genome position (GRCh38, 1-based): chr19:13,505,955, G>A on the plus strand (C>T on the coding strand, the complement: CACNA1A is on the minus strand). VCF-style: chr19-13505955-G-A. GRCh37 (hg19) VCF-style: chr19-13616769-G-A.
Other names: c.270C>T, p.Tyr90= (NM_000068.4, NM_001127221.2, NM_001174080.2 and 1 more transcripts).
Identifiers: ClinVar variation 1303779 (VCV001303779.9), dbSNP rs371957971, ClinGen allele CA9241078.

ClinVar aggregate classification (germline): Conflicting classifications of pathogenicity. Review status: criteria provided, conflicting classifications (1 of 4 stars). 2 submissions from 2 submitters: Uncertain significance (1); Likely benign (1). Last evaluated 2023-10-29.

Conditions:
Episodic ataxia type 2 (EA2). Also called: ATAXIA, EPISODIC, WITH NYSTAGMUS; ATAXIA, FAMILIAL PAROXYSMAL; CEREBELLAR ATAXIA, PAROXYSMAL, ACETAZOLAMIDE-RESPONSIVE; CEREBELLOPATHY, HEREDITARY PAROXYSMAL; EPISODIC ATAXIA, NYSTAGMUS-ASSOCIATED; ACETAZOLAMIDE-RESPONSIVE HEREDITARY PAROXYSMAL CEREBELLAR ATAXIA. Identifiers: Orphanet 97, MedGen C1720416, MONDO:0007163, OMIM 108500.
Developmental and epileptic encephalopathy, 42 (DEE42A). Also called: Epileptic encephalopathy, early infantile, 42; DEVELOPMENTAL AND EPILEPTIC ENCEPHALOPATHY 42A; EPILEPTIC ENCEPHALOPATHY, EARLY INFANTILE, 42A. Identifiers: MedGen C4310716, MONDO:0014917, OMIM 617106.

Allele frequency attached by ClinVar (database versions not stated): gnomAD exomes below 0.00001 and 0.00001; ExAC 0.00001; gnomAD 0.00001; TOPMed 0.00001; ESP Exome Variant Server 0.00008.
gnomAD v4.1: 20 of 1,613,450 alleles (0.0012%); highest among the groups gnomAD compares: Non-Finnish European, 0.0015%; no homozygotes.

Submissions (2):

Labcorp Genetics (formerly Invitae), Labcorp
Classification: Likely benign for Developmental and epileptic encephalopathy, 42; Episodic ataxia type 2. Last evaluated: 2023-10-29. Review status: criteria provided, single submitter. Criteria: Invitae Variant Classification Sherloc (09022015). Collection method: clinical testing. Allele origin: germline.

GeneDx
Classification: Uncertain significance. Last evaluated: 2020-02-10. Review status: criteria provided, single submitter. Criteria: GeneDx Variant Classification Process June 2021. Collection method: clinical testing. Allele origin: germline. Affected: yes.
Comment: Not observed at a significant frequency in large population cohorts (Lek et al., 2016); Has not been previously published as pathogenic or benign to our knowledge; In-silico analysis, which includes splice predictors and evolutionary conservation, is inconclusive as to whether the variant alters gene splicing. In the absence of RNA/functional studies, the actual effect of this sequence change is unknown.